The following is an entry in ClinVar:

ClinVar aggregate classification (germline): Uncertain significance (1 of 4 stars; one submission).

Conditions:
Familial hypobetalipoproteinemia 1. Also called: APOB-Related Familial Hypobetalipoproteinemia; Hypobetalipoproteinemia, normotriglyceridemic; Acanthocytosis with hypobetalipoproteinemia. Identifiers: MedGen C4551990, MONDO:0014252, OMIM 615558.
Hypercholesterolemia, autosomal dominant, type B (FHCL2). Also called: APOB-Related Familial Hypercholesterolemia, Autosomal Dominant; Familial hypercholesterolemia 2; Familial Hypercholesterolemia Type B; APOLIPOPROTEIN B-100, FAMILIAL DEFECTIVE; APOLIPOPROTEIN B-100, FAMILIAL LIGAND-DEFECTIVE; HYPERCHOLESTEROLEMIA, FAMILIAL, DUE TO LIGAND-DEFECTIVE APOLIPOPROTEIN B. Identifiers: MedGen C1704417, MONDO:0007751, OMIM 144010.

gnomAD v4.1: 2 of 1,614,106 alleles (0.00012%); highest among the groups gnomAD compares: East Asian, 0.0045%; no homozygotes.

Submission:

Labcorp Genetics (formerly Invitae), Labcorp
Classification: Uncertain significance for Familial hypobetalipoproteinemia 1; Hypercholesterolemia, autosomal dominant, type B. Last evaluated: 2025-12-24. Review status: criteria provided, single submitter. Criteria: Invitae Variant Classification Sherloc (09022015). Collection method: clinical testing. Allele origin: germline.
Comment: This sequence change replaces methionine, which is neutral and non-polar, with isoleucine, which is neutral and non-polar, at codon 564 of the APOB protein (p.Met564Ile). This variant is not present in population databases (gnomAD no frequency). This variant has not been reported in the literature in individuals affected with APOB-related conditions. Invitae Evidence Modeling of protein sequence and biophysical properties (such as structural, functional, and spatial information, amino acid conservation, physicochemical variation, residue mobility, and thermodynamic stability) indicates that this missense variant is not expected to disrupt APOB protein function with a negative predictive value of 95%. In summary, the available evidence is currently insufficient to determine the role of this variant in disease. Therefore, it has been classified as a Variant of Uncertain Significance.

NM_000384.3(APOB):c.1692G>A (p.Met564Ile)

Gene: APOB (apolipoprotein B; minus strand). Cytogenetic location: 2p24.1.
Variant type: single nucleotide variant.
Coding change: c.1692G>A on transcript NM_000384.3 (MANE Select); coding-DNA position 1692, G replaced by A.
Protein change: p.Met564Ile; replaces methionine 564 with isoleucine.
Molecular consequence: missense variant.
Genome position (GRCh38, 1-based): chr2:21,028,464, C>T on the plus strand (G>A on the coding strand, the complement: APOB is on the minus strand). VCF-style: chr2-21028464-C-T. GRCh37 (hg19) VCF-style: chr2-21251336-C-T.
Other names: short protein forms M564I.
Identifiers: ClinVar variation 4788992 (VCV004788992.1).